The following is an entry in ClinVar:

NM_001127208.3(TET2):c.5482C>T (p.Gln1828Ter)

Genes: TET2 (tet methylcytosine dioxygenase 2; plus strand), TET2-AS1 (TET2 antisense RNA 1; minus strand). Cytogenetic location: 4q24.
Variant type: single nucleotide variant.
Coding change: c.5482C>T on transcript NM_001127208.3 (MANE Select); coding-DNA position 5482, C replaced by T.
Protein change: p.Gln1828Ter; replaces glutamine 1828 with a stop codon.
Molecular consequence: nonsense.
Genome position (GRCh38, 1-based): chr4:105,275,992, C>T. VCF-style: chr4-105275992-C-T. GRCh37 (hg19) VCF-style: chr4-106197149-C-T.
Other names: short protein forms Q1828*.
Identifiers: ClinVar variation 3668902 (VCV003668902.2).
Genomic context (GRCh38, chr4:105,275,992, plus strand): 5'-AGAACTGCTTGTGTCCAAGGAGGCTTACACAAATTAAGTGATGCTAATGGTCAGGAAAAG[C>T]AGCCATTGGCACTAGTCCAGGGTGTGGCTTCTGGTGCAGAGGACAACGATGAGGTCTGGT-3'

ClinVar aggregate classification (germline): Uncertain significance (1 of 4 stars; one submission).

gnomAD v4.1: 4 of 1,551,712 alleles (0.00026%); highest among the groups gnomAD compares: East Asian, 0.0024%; no homozygotes.

Submission:

Labcorp Genetics (formerly Invitae), Labcorp
Classification: Uncertain significance. Last evaluated: 2024-09-11. Review status: criteria provided, single submitter. Criteria: Invitae Variant Classification Sherloc (09022015). Collection method: clinical testing. Allele origin: germline.
Comment: This sequence change creates a premature translational stop signal (p.Gln1828*) in the TET2 gene. While this is not anticipated to result in nonsense mediated decay, it is expected to disrupt the last 175 amino acid(s) of the TET2 protein. This variant is not present in population databases (gnomAD no frequency). This variant has not been reported in the literature in individuals affected with TET2-related conditions. Experimental studies and prediction algorithms are not available or were not evaluated, and the functional significance of this variant is currently unknown. In summary, the available evidence is currently insufficient to determine the role of this variant in disease. Therefore, it has been classified as a Variant of Uncertain Significance.